The following is an entry in ClinVar:

NM_002335.4(LRP5):c.1321G>A (p.Glu441Lys)

Gene: LRP5 (LDL receptor related protein 5; plus strand). Cytogenetic location: 11q13.2.
Variant type: single nucleotide variant.
Coding change: c.1321G>A on transcript NM_002335.4 (MANE Select); coding-DNA position 1321, G replaced by A.
Protein change: p.Glu441Lys; replaces glutamic acid 441 with lysine.
Molecular consequence: missense variant. On other transcripts: 5 prime UTR variant (1).
Genome position (GRCh38, 1-based): chr11:68,386,621, G>A. VCF-style: chr11-68386621-G-A. GRCh37 (hg19) VCF-style: chr11-68154089-G-A.
Other names: c.-445G>A (NM_001291902.2); short protein forms E441K.
Identifiers: ClinVar variation 860350 (VCV000860350.10), dbSNP rs376152274, ClinGen allele CA6149302.

ClinVar aggregate classification (germline): Pathogenic/Likely pathogenic. Review status: criteria provided, multiple submitters, no conflicts (2 of 4 stars). 3 submissions from 3 submitters: Pathogenic (1); Likely pathogenic (2). Last evaluated 2023-05-08.

Conditions:
LRP5-related disorder. Also called: LRP5-related condition.

Allele frequency attached by ClinVar (database versions not stated): gnomAD exomes below 0.00001; TOPMed below 0.00001; ExAC 0.00001; gnomAD 0.00001; ESP Exome Variant Server 0.00008.
gnomAD v4.1: 1 of 1,613,550 alleles (0.000062%); highest among the groups gnomAD compares: African/African-American, 0.0013%; no homozygotes.

Submissions (3):

Labcorp Genetics (formerly Invitae), Labcorp
Classification: Pathogenic. Last evaluated: 2023-05-08. Review status: criteria provided, single submitter. Criteria: Invitae Variant Classification Sherloc (09022015). Collection method: clinical testing. Allele origin: germline.
Comment: For these reasons, this variant has been classified as Pathogenic. Advanced modeling of protein sequence and biophysical properties (such as structural, functional, and spatial information, amino acid conservation, physicochemical variation, residue mobility, and thermodynamic stability) has been performed at Invitae for this missense variant, however the output from this modeling did not meet the statistical confidence thresholds required to predict the impact of this variant on LRP5 protein function. ClinVar contains an entry for this variant (Variation ID: 860350). This missense change has been observed in individuals with autosomal dominant familial exudative vitreoretinopathy (PMID: 20340138, 30452590). It has also been observed to segregate with disease in related individuals. This variant is present in population databases (rs376152274, gnomAD 0.01%). This sequence change replaces glutamic acid, which is acidic and polar, with lysine, which is basic and polar, at codon 441 of the LRP5 protein (p.Glu441Lys).

Blueprint Genetics
Classification: Likely pathogenic for LRP5-related disorders. Last evaluated: 2021-10-17. Review status: criteria provided, single submitter. Criteria: ACMG Guidelines, 2015. Collection method: clinical testing. Allele origin: germline. Affected: yes. Observed: 3 variant alleles.

Institute of Medical Genetics and Applied Genomics, University Hospital Tübingen
Classification: Likely pathogenic. Last evaluated: 2021-02-01. Review status: criteria provided, single submitter. Criteria: ACMG Guidelines, 2015. Collection method: clinical testing. Allele origin: germline. Inheritance: Unknown mechanism. Affected: yes.

Literature cited by the submitters: PubMed 20340138 (cited by Labcorp Genetics (formerly Invitae), Labcorp); PubMed 30452590 (cited by Labcorp Genetics (formerly Invitae), Labcorp).